The following is an entry in ClinVar:

NM_080873.3(ASB11):c.684G>A (p.Leu228=)

Gene: ASB11 (ankyrin repeat and SOCS box containing 11; minus strand). Cytogenetic location: Xp22.2.
Variant type: single nucleotide variant.
Coding change: c.684G>A on transcript NM_080873.3 (MANE Select); coding-DNA position 684, G replaced by A.
Protein change: p.Leu228=; no amino-acid change (leucine 228 retained).
Molecular consequence: synonymous variant.
Genome position (GRCh38, 1-based): chrX:15,288,044, C>T on the plus strand (G>A on the coding strand, the complement: ASB11 is on the minus strand). VCF-style: chrX-15288044-C-T. GRCh37 (hg19) VCF-style: chrX-15306166-C-T.
Other names: c.621G>A, p.Leu207= (NM_001012428.2); c.633G>A, p.Leu211= (NM_001201583.2).
Identifiers: ClinVar variation 2660046 (VCV002660046.24), dbSNP rs947862737, ClinGen allele CA326941874.

ClinVar aggregate classification (germline): Likely benign (1 of 4 stars; one submission).

Allele frequency attached by ClinVar (database versions not stated): gnomAD exomes below 0.00001; TOPMed 0.00001.

Submission:

CeGaT Center for Human Genetics Tuebingen
Classification: Likely benign. Last evaluated: 2022-05-01. Review status: criteria provided, single submitter. Criteria: CeGaT Center For Human Genetics Tuebingen Variant Classification Criteria Version 2. Collection method: clinical testing. Allele origin: germline. Affected: yes. Observed: 1 variant allele.
Comment: ASB11: BP4, BP7